The following is an entry in ClinVar:

ClinVar aggregate classification (germline): Pathogenic (1 of 4 stars; one submission).

Conditions:
Epilepsy, X-linked 1, with variable learning disabilities and behavior disorders. Also called: X-linked epilepsy-learning disabilities-behavior disorders syndrome. Identifiers: Orphanet 85294, MedGen C5774177, MONDO:0010339, OMIM 300491.

Submission:

Labcorp Genetics (formerly Invitae), Labcorp
Classification: Pathogenic for Epilepsy, X-linked 1, with variable learning disabilities and behavior disorders. Last evaluated: 2022-05-04. Review status: criteria provided, single submitter. Criteria: Invitae Variant Classification Sherloc (09022015). Collection method: clinical testing. Allele origin: germline.
Comment: This sequence change results in a frameshift in the SYN1 gene (p.Ala550Leufs*143). While this is not anticipated to result in nonsense mediated decay, it is expected to disrupt the last 120 amino acid(s) of the SYN1 protein and extend the protein by 22 additional amino acid residues. For these reasons, this variant has been classified as Pathogenic. This variant disrupts a region of the SYN1 protein in which other variant(s) (p.Pro664Ser) have been determined to be pathogenic (Invitae). This suggests that this is a clinically significant region of the protein, and that variants that disrupt it are likely to be disease-causing. This variant has not been reported in the literature in individuals affected with SYN1-related conditions. The frequency data for this variant in the population databases is considered unreliable, as metrics indicate poor data quality at this position in the gnomAD database.

NM_006950.3(SYN1):c.1647_1650del (p.Ala550fs)

Gene: SYN1 (synapsin I; minus strand). Cytogenetic location: Xp11.3.
Variant type: Microsatellite.
Coding change: c.1647_1650del on transcript NM_006950.3 (MANE Select); coding-DNA positions 1647 to 1650, 4 bases deleted (CGCC; older notation c.1647_1650delCGCC).
Protein change: p.Ala550fs; shifts the reading frame from alanine 550.
Molecular consequence: frameshift variant.
Genome position (GRCh38, 1-based): chrX:47,574,334-47,574,337, GGCG deleted on the plus strand (CGCC on the coding strand, the reverse complement: SYN1 is on the minus strand); deleting any 4 consecutive bases within chrX:47,574,334-47,574,348 gives the same sequence; the c. name uses the placement nearest the transcript's 3' end. VCF-style (leftmost placement, unchanged base first): chrX-47574333-AGGCG-A. GRCh37 (hg19) VCF-style: chrX-47433732-AGGCG-A.
Other names: c.1647_1650del, p.Ala550fs (NM_133499.2); short protein forms A550fs.
Identifiers: ClinVar variation 2133546 (VCV002133546.4), dbSNP rs1456167867, ClinGen allele CA516353937.